The following is an entry in ClinVar:

NM_001378120.1(MBD5):c.1621T>C (p.Phe541Leu)

Gene: MBD5 (methyl-CpG binding domain protein 5; plus strand). Cytogenetic location: 2q23.1.
Variant type: single nucleotide variant.
Coding change: c.1621T>C on transcript NM_001378120.1 (MANE Select); coding-DNA position 1621, T replaced by C.
Protein change: p.Phe541Leu; replaces phenylalanine 541 with leucine.
Molecular consequence: missense variant.
Genome position (GRCh38, 1-based): chr2:148,469,564, T>C. VCF-style: chr2-148469564-T-C. GRCh37 (hg19) VCF-style: chr2-149227133-T-C.
Other names: c.1621T>C, p.Phe541Leu (NM_018328.5); short protein forms F541L.
Identifiers: ClinVar variation 3899725 (VCV003899725.1).

ClinVar aggregate classification (germline): Uncertain significance (1 of 4 stars; one submission).

Submission:

GeneDx
Classification: Uncertain significance. Last evaluated: 2024-11-13. Review status: criteria provided, single submitter. Criteria: GeneDx Variant Classification Process June 2021. Collection method: clinical testing. Allele origin: germline. Affected: yes.
Comment: Not observed at significant frequency in large population cohorts (gnomAD); In silico analysis indicates that this missense variant does not alter protein structure/function; Has not been previously published as pathogenic or benign to our knowledge